The following is an entry in ClinVar:

ClinVar aggregate classification (germline): Uncertain significance (1 of 4 stars; one submission).

Conditions:
BAZ1A-related disorder. Also called: BAZ1A-related condition.

Allele frequency attached by ClinVar (database versions not stated): TOPMed below 0.00001; gnomAD 0.00001; ExAC 0.00002; gnomAD exomes 0.00002.
gnomAD v4.1: 25 of 1,610,364 alleles (0.0016%); highest among the groups gnomAD compares: Non-Finnish European, 0.0021%; no homozygotes.

Submission:

PreventionGenetics, part of Exact Sciences
Classification: Uncertain significance for BAZ1A-related condition. Last evaluated: 2022-08-24. Review status: criteria provided, single submitter. Criteria: ACMG Guidelines, 2015. Collection method: clinical testing. Allele origin: germline.
Comment: The BAZ1A c.38A>C variant is predicted to result in the amino acid substitution p.Lys13Thr. To our knowledge, this variant has not been reported in the literature. This variant is reported in 0.00089% of alleles in individuals of European (Non-Finnish) descent in gnomAD. At this time, the clinical significance of this variant is uncertain due to the absence of conclusive functional and genetic evidence.

NM_013448.3(BAZ1A):c.38A>C (p.Lys13Thr)

Genes: BAZ1A (bromodomain adjacent to zinc finger domain 1A; minus strand), BAZ1A-AS1 (BAZ1A antisense RNA 1; plus strand). Cytogenetic location: 14q13.2.
Variant type: single nucleotide variant.
Coding change: c.38A>C on transcript NM_013448.3 (MANE Select); coding-DNA position 38, A replaced by C.
Protein change: p.Lys13Thr; replaces lysine 13 with threonine.
Molecular consequence: missense variant. On other transcripts: non-coding transcript variant (1).
Genome position (GRCh38, 1-based): chr14:34,874,567, T>G on the plus strand (A>C on the coding strand, the complement: BAZ1A is on the minus strand). VCF-style: chr14-34874567-T-G. GRCh37 (hg19) VCF-style: chr14-35343773-T-G.
Other names: c.38A>C, p.Lys13Thr (NM_182648.2); short protein forms K13T.
Identifiers: ClinVar variation 2636418 (VCV002636418.1), dbSNP rs775641660, ClinGen allele CA7153418.
Genomic context (GRCh38, chr14:34,874,567, plus strand): 5'-ATCTCGTTGGTGACTTTACAGTAGAAAACTTCCTCGTCGGGCCGCAGGTCCGCGGGCGGC[T>G]TCTGTCTCACAAACGGCTTTCGGTGTAGCAGCGGCATCTCCCGTCCGCCCGCGGGCTCGC-3'
Protein context (NP_038476.2, residues 3-23): LLHRKPFVRQ[Lys13Thr]PPADLRPDEE